The following is an entry in ClinVar:

NM_198578.4(LRRK2):c.1864G>A (p.Gly622Arg)

Gene: LRRK2 (leucine rich repeat kinase 2; plus strand). Cytogenetic location: 12q12.
Variant type: single nucleotide variant.
Coding change: c.1864G>A on transcript NM_198578.4 (MANE Select); coding-DNA position 1864, G replaced by A.
Protein change: p.Gly622Arg; replaces glycine 622 with arginine.
Molecular consequence: missense variant.
Genome position (GRCh38, 1-based): chr12:40,274,916, G>A. VCF-style: chr12-40274916-G-A. GRCh37 (hg19) VCF-style: chr12-40668718-G-A.
Other names: short protein forms G622R.
Identifiers: ClinVar variation 3291888 (VCV003291888.1).

ClinVar aggregate classification (germline): Uncertain significance (1 of 4 stars; one submission).

Conditions:
Inborn genetic diseases. Identifiers: MedGen C0950123, MeSH D030342.

Submission:

Ambry Genetics
Classification: Uncertain significance for Inborn genetic diseases. Last evaluated: 2024-05-17. Review status: criteria provided, single submitter. Criteria: Ambry Variant Classification Scheme 2023. Collection method: clinical testing. Allele origin: germline.
Comment: The p.G622R variant (also known as c.1864G>A), located in coding exon 16 of the LRRK2 gene, results from a G to A substitution at nucleotide position 1864. The glycine at codon 622 is replaced by arginine, an amino acid with dissimilar properties. This amino acid position is conserved. In addition, the in silico prediction for this alteration is inconclusive. Based on the available evidence, the clinical significance of this variant remains unclear.